The following is an entry in ClinVar:

NM_022765.4(MICAL1):c.2944A>C (p.Asn982His)

Gene: MICAL1 (microtubule associated monooxygenase, calponin and LIM domain containing 1; minus strand). Cytogenetic location: 6q21.
Variant type: single nucleotide variant.
Coding change: c.2944A>C on transcript NM_022765.4 (MANE Select); coding-DNA position 2944, A replaced by C.
Protein change: p.Asn982His; replaces asparagine 982 with histidine.
Molecular consequence: missense variant.
Genome position (GRCh38, 1-based): chr6:109,444,933, T>G on the plus strand (A>C on the coding strand, the complement: MICAL1 is on the minus strand). VCF-style: chr6-109444933-T-G. GRCh37 (hg19) VCF-style: chr6-109766136-T-G.
Other names: c.2686A>C, p.Asn896His (NM_001159291.2); c.3001A>C, p.Asn1001His (NM_001286613.2); short protein forms N896H, N982H, N1001H.
Identifiers: ClinVar variation 1402455 (VCV001402455.6), dbSNP rs200799831, ClinGen allele CA3952701.

ClinVar aggregate classification (germline): Uncertain significance (1 of 4 stars; one submission).

Allele frequency attached by ClinVar (database versions not stated): gnomAD exomes 0.00001 and 0.00005; ExAC 0.00007; gnomAD 0.00011; TOPMed 0.00011; 1000 Genomes Project 30x 0.00016; 1000 Genomes Project 0.00020.
gnomAD v4.1: 28 of 1,614,156 alleles (0.0017%); highest among the groups gnomAD compares: African/African-American, 0.035%; no homozygotes.

Submission:

Labcorp Genetics (formerly Invitae), Labcorp
Classification: Uncertain significance. Last evaluated: 2025-04-27. Review status: criteria provided, single submitter. Criteria: Invitae Variant Classification Sherloc (09022015). Collection method: clinical testing. Allele origin: germline.
Comment: This sequence change replaces asparagine, which is neutral and polar, with histidine, which is basic and polar, at codon 1001 of the MICAL1 protein (p.Asn1001His). This variant is present in population databases (rs200799831, gnomAD 0.06%), and has an allele count higher than expected for a pathogenic variant. This variant has not been reported in the literature in individuals affected with MICAL1-related conditions. ClinVar contains an entry for this variant (Variation ID: 1402455). An algorithm developed to predict the effect of missense changes on protein structure and function (PolyPhen-2) suggests that this variant is likely to be disruptive. In summary, the available evidence is currently insufficient to determine the role of this variant in disease. Therefore, it has been classified as a Variant of Uncertain Significance.